The following is an entry in ClinVar:

ClinVar aggregate classification (germline): Uncertain significance (0 of 4 stars; one submission).

Conditions:
TET1-related disorder. Also called: TET1-related condition.

Submission:

PreventionGenetics, part of Exact Sciences
Classification: Uncertain significance for TET1-related condition. Last evaluated: 2024-05-31. Review status: no assertion criteria provided. Collection method: clinical testing. Allele origin: germline.
Comment: The TET1 c.5822A>T variant is predicted to result in the amino acid substitution p.His1941Leu. To our knowledge, this variant has not been reported in the literature or in a large population database, indicating this variant is rare. At this time, the clinical significance of this variant is uncertain due to the absence of conclusive functional and genetic evidence.

NM_030625.3(TET1):c.5822A>T (p.His1941Leu)

Gene: TET1 (tet methylcytosine dioxygenase 1; plus strand). Cytogenetic location: 10q21.3.
Variant type: single nucleotide variant.
Coding change: c.5822A>T on transcript NM_030625.3 (MANE Select); coding-DNA position 5822, A replaced by T.
Protein change: p.His1941Leu; replaces histidine 1941 with leucine.
Molecular consequence: missense variant.
Genome position (GRCh38, 1-based): chr10:68,691,225, A>T. VCF-style: chr10-68691225-A-T. GRCh37 (hg19) VCF-style: chr10-70450982-A-T.
Other names: c.5909A>T, p.His1970Leu (NM_001406365.1); c.3998A>T, p.His1333Leu (NM_001406367.1); c.3896A>T, p.His1299Leu (NM_001406368.1, NM_001406369.1, NM_001406370.1); c.3809A>T, p.His1270Leu (NM_001406371.1, NM_001406372.1); c.3416A>T, p.His1139Leu (NM_001406373.1); c.3329A>T, p.His1110Leu (NM_001406374.1); c.1553A>T, p.His518Leu (NM_001406375.1); c.1466A>T, p.His489Leu (NM_001406376.1); short protein forms H1110L, H1139L, H1270L, H1299L, H1333L, H1941L, H1970L, H489L.
Identifiers: ClinVar variation 3347616 (VCV003347616.1).